The following is an entry in ClinVar:

NM_080680.3(COL11A2):c.3474+6T>C

Gene: COL11A2 (collagen type XI alpha 2 chain; minus strand). Cytogenetic location: 6p21.32.
Variant type: single nucleotide variant.
Coding change: c.3474+6T>C on transcript NM_080680.3 (MANE Select); 6 bases into the intron after coding-DNA position 3474, T replaced by C.
Molecular consequence: intron variant.
Genome position (GRCh38, 1-based): chr6:33,170,804, A>G on the plus strand (T>C on the coding strand, the complement: COL11A2 is on the minus strand). VCF-style: chr6-33170804-A-G. GRCh37 (hg19) VCF-style: chr6-33138581-A-G.
Other names: c.2448+6T>C (NM_001424111.1, NM_001424110.1); c.3153+6T>C (NM_080679.3); c.3216+6T>C (NM_080681.3); c.3294+6T>C (NM_001424108.1); c.2628+6T>C (NM_001424109.1); c.1428+6T>C (NM_001424112.1).
Identifiers: ClinVar variation 3636915 (VCV003636915.2).
Genomic context (GRCh38, chr6:33,170,804, plus strand): 5'-GTCTGGGGCAAAACATCACCCCATCCTGACCCCACCTCTCAGCCCCTGTCCTATCCCCCA[A>G]CACACCTGTAGGCCAATGGGTCCTGGGGGCCCATTGAATCCTCTTGTTCCTTCATCACCT-3'

ClinVar aggregate classification (germline): Uncertain significance (1 of 4 stars; one submission).

gnomAD v4.1: 54 of 1,611,302 alleles (0.0034%); highest among the groups gnomAD compares: Non-Finnish European, 0.0043%; no homozygotes.

Submission:

Labcorp Genetics (formerly Invitae), Labcorp
Classification: Uncertain significance. Last evaluated: 2026-02-01. Review status: criteria provided, single submitter. Criteria: Invitae Variant Classification Sherloc (09022015). Collection method: clinical testing. Allele origin: germline.
Comment: This sequence change falls in intron 46 of the COL11A2 gene. It does not directly change the encoded amino acid sequence of the COL11A2 protein. It affects a nucleotide within the consensus splice site. This variant is present in population databases (rs760210341, gnomAD 0.0009%). This variant has not been reported in the literature in individuals affected with COL11A2-related conditions. ClinVar contains an entry for this variant (Variation ID: 3636915). Variants that disrupt the consensus splice site are a relatively common cause of aberrant splicing (PMID: 17576681, 9536098). Algorithms developed to predict the effect of sequence changes on RNA splicing suggest that this variant is not likely to affect RNA splicing. In summary, the available evidence is currently insufficient to determine the role of this variant in disease. Therefore, it has been classified as a Variant of Uncertain Significance.

Literature cited by the submitters: PubMed 17576681; PubMed 9536098.